The following is an entry in ClinVar:

ClinVar aggregate classification (germline): other (0 of 4 stars; one submission).

Conditions:
Familial colorectal cancer. Identifiers: MedGen CN280943, MONDO:0023113. Disease mechanism: loss of function.

Submission:

Systems Biology Platform Zhejiang California International NanoSystems Institute
Classification: other for Familial colorectal cancer. Review status: no assertion criteria provided. Collection method: not provided. Allele origin: unknown.
ClinVar note: Converted during submission from cancer to other.

NM_000038.6(APC):c.730-2460C>T

Gene: APC (APC regulator of WNT signaling pathway; plus strand). Cytogenetic location: 5q22.2.
Variant type: single nucleotide variant.
Coding change: c.730-2460C>T on transcript NM_000038.6 (MANE Select); 2460 bases into the intron before coding-DNA position 730, C replaced by T.
Molecular consequence: intron variant.
Genome position (GRCh38, 1-based): chr5:112,798,819, C>T. VCF-style: chr5-112798819-C-T. GRCh37 (hg19) VCF-style: chr5-112134516-C-T.
Other names: c.730-2460C>T (NM_001354895.2, NM_001127510.3, NM_001354896.2 and 1 more transcripts); c.760-2460C>T (NM_001354897.2, NM_001354902.2); c.676-2460C>T (NM_001127511.3); c.655-2460C>T (NM_001354898.2, NM_001354904.2); c.-306-2460C>T (NM_001354906.2); c.646-2460C>T (NM_001354899.2); c.553-2460C>T (NM_001354900.2, NM_001354901.2, NM_001354905.2).
Identifiers: ClinVar variation 82504 (VCV000082504.2), dbSNP rs75308132, ClinGen allele CA013477.